The following is an entry in ClinVar:

ClinVar aggregate classification (germline): Benign. Review status: criteria provided, single submitter (1 of 4 stars). 2 submissions from 2 submitters: Benign (1). 1 of the submissions does not count toward it. Last evaluated 2022-09-29.

Conditions:
KNG1-related disorder. Also called: KNG1-related condition.

Allele frequency attached by ClinVar (database versions not stated): 1000 Genomes Project 30x 0.09838; TOPMed 0.10104; ExAC 0.12169; 1000 Genomes Project 0.09744; gnomAD 0.10498; gnomAD exomes 0.11593; ESP Exome Variant Server 0.09703.
gnomAD v4.1: 185,180 of 1,612,260 alleles (11%); highest among the groups gnomAD compares: Admixed American, 15%; 11,341 homozygotes.

Submissions (2):

Mayo Clinic Laboratories, Mayo Clinic
Classification: Benign. Last evaluated: 2022-09-29. Review status: criteria provided, single submitter. Criteria: ACMG Guidelines, 2015. Collection method: clinical testing. Allele origin: germline. Observed: 99 variant alleles.

PreventionGenetics, part of Exact Sciences
Classification: Benign for KNG1-related condition. Last evaluated: 2019-10-21. Review status: no assertion criteria provided. Collection method: clinical testing. Allele origin: germline. Not counted in ClinVar's aggregate classification.
Comment: This variant is classified as benign based on ACMG/AMP sequence variant interpretation guidelines (Richards et al. 2015 PMID: 25741868, with internal and published modifications).

NM_001102416.3(KNG1):c.246T>C (p.Asp82=)

Gene: KNG1 (kininogen 1; plus strand). Cytogenetic location: 3q27.3.
Variant type: single nucleotide variant.
Coding change: c.246T>C on transcript NM_001102416.3 (MANE Select); coding-DNA position 246, T replaced by C.
Protein change: p.Asp82=; no amino-acid change (aspartic acid 82 retained).
Molecular consequence: synonymous variant.
Genome position (GRCh38, 1-based): chr3:186,720,155, T>C. VCF-style: chr3-186720155-T-C. GRCh37 (hg19) VCF-style: chr3-186437944-T-C.
Other names: p.Asp82=; c.246T>C, p.Asp82= (NM_000893.4, NM_001166451.2).
Identifiers: ClinVar variation 3059701 (VCV003059701.3), dbSNP rs5029980, ClinGen allele CA2746074.
Genomic context (GRCh38, chr3:186,720,155, plus strand): 5'-TGCTTTTCAGGTTGGCTCTGACACGTTTTATTCCTTCAAGTACGAAATCAAGGAGGGGGA[T>C]TGTCCTGTTCAAAGTGGCAAAACCTGGCAGGACTGTGAGTACAAGGATGCTGCAAAAGCA-3'
Protein context (NP_001095886.1, residues 72-92): YSFKYEIKEG[Asp82=]CPVQSGKTWQ